The following is an entry in ClinVar:

ClinVar aggregate classification (germline): Likely benign. Review status: criteria provided, multiple submitters, no conflicts (2 of 4 stars). 3 submissions from 3 submitters: Likely benign (3). Last evaluated 2026-05-06.

Conditions:
KLHL24-related disorder. Also called: KLHL24-related condition.

Allele frequency attached by ClinVar (database versions not stated): gnomAD 0.00010; TOPMed 0.00011; ExAC 0.00014; 1000 Genomes Project 30x 0.00016; gnomAD exomes 0.00019; 1000 Genomes Project 0.00020; ESP Exome Variant Server 0.00031.
gnomAD v4.1: 297 of 1,613,998 alleles (0.018%); highest among the groups gnomAD compares: Non-Finnish European, 0.023%; 1 homozygote.

Submissions (3):

PreventionGenetics, part of Exact Sciences
Classification: Likely benign for KLHL24-related condition. Last evaluated: 2026-05-06. Review status: criteria provided, single submitter. Criteria: ACMG Guidelines, 2015. Collection method: clinical testing. Allele origin: germline.
Comment: This variant is classified as likely benign based on ACMG/AMP sequence variant interpretation guidelines (Richards et al. 2015 PMID: 25741868, with internal and published modifications).

Blueprint Genetics
Classification: Likely benign. Last evaluated: 2023-05-31. Review status: criteria provided, single submitter. Criteria: ACMG Guidelines, 2015. Collection method: clinical testing. Allele origin: germline.

Labcorp Genetics (formerly Invitae), Labcorp
Classification: Likely benign. Last evaluated: 2023-03-01. Review status: criteria provided, single submitter. Criteria: Invitae Variant Classification Sherloc (09022015). Collection method: clinical testing. Allele origin: germline.

NM_017644.3(KLHL24):c.147C>T (p.Ala49=)

Gene: KLHL24 (kelch like family member 24; plus strand). Cytogenetic location: 3q27.1.
Variant type: single nucleotide variant.
Coding change: c.147C>T on transcript NM_017644.3 (MANE Select); coding-DNA position 147, C replaced by T.
Protein change: p.Ala49=; no amino-acid change (alanine 49 retained).
Molecular consequence: synonymous variant. On other transcripts: 5 prime UTR variant (2), non-coding transcript variant (2).
Genome position (GRCh38, 1-based): chr3:183,650,503, C>T. VCF-style: chr3-183650503-C-T. GRCh37 (hg19) VCF-style: chr3-183368291-C-T.
Other names: c.147C>T, p.Ala49= (NM_001349421.1, NM_001349422.1, NM_001349423.1 and 12 more transcripts); c.-820C>T (NM_001349428.1, NM_001349429.1).
Identifiers: ClinVar variation 2919801 (VCV002919801.5), dbSNP rs150739493, ClinGen allele CA2721544.